The following is an entry in ClinVar:

NM_002500.5(NEUROD1):c.175G>A (p.Glu59Lys)

Gene: NEUROD1 (neuronal differentiation 1; minus strand). Cytogenetic location: 2q31.3.
Variant type: single nucleotide variant.
Coding change: c.175G>A on transcript NM_002500.5 (MANE Select); coding-DNA position 175, G replaced by A.
Protein change: p.Glu59Lys; replaces glutamic acid 59 with lysine.
Molecular consequence: missense variant.
Genome position (GRCh38, 1-based): chr2:181,678,686, C>T on the plus strand (G>A on the coding strand, the complement: NEUROD1 is on the minus strand). VCF-style: chr2-181678686-C-T. GRCh37 (hg19) VCF-style: chr2-182543413-C-T.
Other names: short protein forms E59K.
Identifiers: ClinVar variation 2807771 (VCV002807771.3), dbSNP rs553756272, ClinGen allele CA2011173.

ClinVar aggregate classification (germline): Uncertain significance (1 of 4 stars; one submission).

gnomAD v4.1: 1 of 1,611,808 alleles (0.000062%); highest among the groups gnomAD compares: Non-Finnish European, 0.000085%; no homozygotes.

Submission:

Labcorp Genetics (formerly Invitae), Labcorp
Classification: Uncertain significance. Last evaluated: 2023-10-18. Review status: criteria provided, single submitter. Criteria: Invitae Variant Classification Sherloc (09022015). Collection method: clinical testing. Allele origin: germline.
Comment: This sequence change replaces glutamic acid, which is acidic and polar, with lysine, which is basic and polar, at codon 59 of the NEUROD1 protein (p.Glu59Lys). This variant is present in population databases (rs553756272, gnomAD 0.0009%). This variant has not been reported in the literature in individuals affected with NEUROD1-related conditions. Advanced modeling of protein sequence and biophysical properties (such as structural, functional, and spatial information, amino acid conservation, physicochemical variation, residue mobility, and thermodynamic stability) performed at Invitae indicates that this missense variant is not expected to disrupt NEUROD1 protein function. In summary, the available evidence is currently insufficient to determine the role of this variant in disease. Therefore, it has been classified as a Variant of Uncertain Significance.